The following is an entry in ClinVar:

ClinVar aggregate classification (germline): Likely benign (1 of 4 stars; one submission).

Allele frequency attached by ClinVar (database versions not stated): gnomAD 0.00001; TOPMed 0.00001.

Submission:

CeGaT Center for Human Genetics Tuebingen
Classification: Likely benign. Last evaluated: 2022-06-01. Review status: criteria provided, single submitter. Criteria: CeGaT Center For Human Genetics Tuebingen Variant Classification Criteria Version 2. Collection method: clinical testing. Allele origin: germline. Affected: yes. Observed: 1 variant allele.
Comment: DDX60: BP4, BP7

NM_017631.6(DDX60):c.2292C>T (p.Pro764=)

Gene: DDX60 (DExD/H-box helicase 60; minus strand). Cytogenetic location: 4q32.3.
Variant type: single nucleotide variant.
Coding change: c.2292C>T on transcript NM_017631.6 (MANE Select); coding-DNA position 2292, C replaced by T.
Protein change: p.Pro764=; no amino-acid change (proline 764 retained).
Molecular consequence: synonymous variant.
Genome position (GRCh38, 1-based): chr4:168,275,357, G>A on the plus strand (C>T on the coding strand, the complement: DDX60 is on the minus strand). VCF-style: chr4-168275357-G-A. GRCh37 (hg19) VCF-style: chr4-169196508-G-A.
Other names: c.2292C>T, p.Pro764= (NM_001410861.1).
Identifiers: ClinVar variation 2655174 (VCV002655174.24), dbSNP rs1241653675, ClinGen allele CA442058300.